The following is an entry in ClinVar:

NM_201384.3(PLEC):c.9053G>A (p.Arg3018Gln)

Gene: PLEC (plectin; minus strand). Cytogenetic location: 8q24.3.
Variant type: single nucleotide variant.
Coding change: c.9053G>A on transcript NM_201384.3 (MANE Select); coding-DNA position 9053, G replaced by A.
Protein change: p.Arg3018Gln; replaces arginine 3018 with glutamine.
Molecular consequence: missense variant.
Genome position (GRCh38, 1-based): chr8:143,920,768, C>T on the plus strand (G>A on the coding strand, the complement: PLEC is on the minus strand). VCF-style: chr8-143920768-C-T. GRCh37 (hg19) VCF-style: chr8-144994936-C-T.
Other names: c.9134G>A, p.Arg3045Gln (NM_000445.5); c.9011G>A, p.Arg3004Gln (NM_201378.4); c.8987G>A, p.Arg2996Gln (NM_201379.3); c.9464G>A, p.Arg3155Gln (NM_201380.4); c.8957G>A, p.Arg2986Gln (NM_201381.3); c.9053G>A, p.Arg3018Gln (NM_201382.4); c.9065G>A, p.Arg3022Gln (NM_201383.3); c.9134G>A (NM_000445.3); short protein forms R3022Q, R3045Q, R3004Q, R3018Q, R3155Q, R2986Q, R2996Q.
Identifiers: ClinVar variation 952053 (VCV000952053.11), dbSNP rs201831561, ClinGen allele CA4925094.

ClinVar aggregate classification (germline): Uncertain significance. Review status: criteria provided, multiple submitters, no conflicts (2 of 4 stars). 4 submissions from 4 submitters: Uncertain significance (4). Last evaluated 2026-02-24.

Conditions:
PLEC-related disorder. Also called: PLEC-related disorders; PLEC-related condition.
Inborn genetic diseases. Identifiers: MedGen C0950123, MeSH D030342.
Autosomal recessive limb-girdle muscular dystrophy type 2Q (LGMDR17). Also called: MUSCULAR DYSTROPHY, LIMB-GIRDLE, AUTOSOMAL RECESSIVE 17. Identifiers: Orphanet 254361, MedGen C3150989, MONDO:0013390, OMIM 613723.
Epidermolysis bullosa simplex, Ogna type (EBS5A). Also called: Pidermolysis bullosa simplex 5A, Ogna type; EPIDERMOLYSIS BULLOSA SIMPLEX 5A, OGNA TYPE. Identifiers: Orphanet 79401, MedGen C0432317, MONDO:0007555, OMIM 131950.
Epidermolysis bullosa simplex 5B, with muscular dystrophy (EBS5B). Also called: Epidermolysis bullosa simplex with muscular dystrophy; EPIDERMOLYSIS BULLOSA SIMPLEX AND LIMB-GIRDLE MUSCULAR DYSTROPHY. Identifiers: Orphanet 257, MedGen C2931072, MONDO:0009181, OMIM 226670.
Epidermolysis bullosa simplex with nail dystrophy (EBS5D). Identifiers: MedGen C4225309, MONDO:0014661, OMIM 616487.
Epidermolysis bullosa simplex 5C, with pyloric atresia (EBS5C). Also called: PLEC1-Related Epidermolysis Bullosa with Pyloric Atresia; PLEC-Related Epidermolysis Bullosa with Pyloric Atresia; Epidermolysis bullosa simplex with pyloric atresia. Identifiers: Orphanet 158684, MedGen C2677349, MONDO:0012807, OMIM 612138.

Allele frequency attached by ClinVar (database versions not stated): ExAC 0.00001; gnomAD 0.00001; TOPMed 0.00001; gnomAD exomes 0.00002; 1000 Genomes Project 0.00020; 1000 Genomes Project 30x 0.00031.
gnomAD v4.1: 28 of 1,606,316 alleles (0.0017%); highest among the groups gnomAD compares: East Asian, 0.0022%; no homozygotes.

Submissions (4):

PreventionGenetics, part of Exact Sciences
Classification: Uncertain significance for PLEC-related condition. Last evaluated: 2026-02-24. Review status: criteria provided, single submitter. Criteria: ACMG Guidelines, 2015. Collection method: clinical testing. Allele origin: germline.
Comment: The PLEC c.9134G>A variant is predicted to result in the amino acid substitution p.Arg3045Gln. To our knowledge, this variant has not been reported in the literature. This variant is reported in 0.0069% of alleles in individuals of African descent in gnomAD. At this time, the clinical significance of this variant is uncertain due to the absence of conclusive functional and genetic evidence.

Labcorp Genetics (formerly Invitae), Labcorp
Classification: Uncertain significance for Autosomal recessive limb-girdle muscular dystrophy type 2Q; Epidermolysis bullosa simplex, Ogna type; Epidermolysis bullosa simplex with nail dystrophy; Epidermolysis bullosa simplex 5C, with pyloric atresia; Epidermolysis bullosa simplex 5B, with muscular dystrophy. Last evaluated: 2025-12-21. Review status: criteria provided, single submitter. Criteria: Invitae Variant Classification Sherloc (09022015). Collection method: clinical testing. Allele origin: germline.
Comment: This sequence change replaces arginine, which is basic and polar, with glutamine, which is neutral and polar, at codon 3045 of the PLEC protein (p.Arg3045Gln). This variant is present in population databases (rs201831561, gnomAD 0.007%). This variant has not been reported in the literature in individuals affected with PLEC-related conditions. ClinVar contains an entry for this variant (Variation ID: 952053). An algorithm developed to predict the effect of missense changes on protein structure and function outputs the following: PolyPhen-2: "Benign". The glutamine amino acid residue is found in multiple mammalian species, which suggests that this missense change does not adversely affect protein function. In summary, the available evidence is currently insufficient to determine the role of this variant in disease. Therefore, it has been classified as a Variant of Uncertain Significance.

Ambry Genetics
Classification: Uncertain significance for Inborn genetic diseases. Last evaluated: 2022-02-10. Review status: criteria provided, single submitter. Criteria: Ambry Variant Classification Scheme 2023. Collection method: clinical testing. Allele origin: germline.

Revvity Omics, Revvity
Classification: Uncertain significance. Last evaluated: 2019-06-11. Review status: criteria provided, single submitter. Criteria: ACMG Guidelines, 2015. Collection method: clinical testing. Allele origin: germline.